The following is an entry in ClinVar:

ClinVar aggregate classification (germline): Uncertain significance (1 of 4 stars; one submission).

Submission:

GeneDx
Classification: Uncertain significance. Last evaluated: 2023-10-07. Review status: criteria provided, single submitter. Criteria: GeneDx Variant Classification Process June 2021. Collection method: clinical testing. Allele origin: germline. Affected: yes.
Comment: Not observed at significant frequency in large population cohorts (gnomAD); In silico analysis supports that this missense variant does not alter protein structure/function; In silico analysis suggests this variant may impact gene splicing. In the absence of RNA/functional studies, the actual effect of this sequence change is unknown.; Has not been previously published as pathogenic or benign to our knowledge

NM_004973.4(JARID2):c.93A>T (p.Lys31Asn)

Gene: JARID2 (jumonji and AT-rich interaction domain containing 2; plus strand). Cytogenetic location: 6p22.3.
Variant type: single nucleotide variant.
Coding change: c.93A>T on transcript NM_004973.4 (MANE Select); coding-DNA position 93, A replaced by T.
Protein change: p.Lys31Asn; replaces lysine 31 with asparagine.
Molecular consequence: missense variant. On other transcripts: 5 prime UTR variant (1).
Genome position (GRCh38, 1-based): chr6:15,374,164, A>T. VCF-style: chr6-15374164-A-T. GRCh37 (hg19) VCF-style: chr6-15374395-A-T.
Other names: c.-424A>T (NM_001267040.1); short protein forms K31N.
Identifiers: ClinVar variation 3252768 (VCV003252768.1), dbSNP rs1319813795.